The following is an entry in ClinVar:

ClinVar aggregate classification (germline): Pathogenic. Review status: reviewed by expert panel (3 of 4 stars). 7 submissions from 7 submitters: Pathogenic (1). 6 of the submissions do not count toward it. Last evaluated 2016-09-08.

Conditions:
Hereditary cancer-predisposing syndrome. Also called: Tumor predisposition; Neoplastic Syndromes, Hereditary; Hereditary neoplastic syndrome; Hereditary Cancer Syndrome. Identifiers: Orphanet 140162, MedGen C0027672, MeSH D009386, MONDO:0015356.
Hereditary breast ovarian cancer syndrome. Also called: Hereditary breast and ovarian cancer; Hereditary breast and ovarian cancer syndrome (HBOC); Hereditary breast and/or ovarian cancer syndrome; Breast and ovarian cancer; Hereditary breast and ovarian cancer syndrome; BRCA1- and BRCA2-Associated Hereditary Breast and Ovarian Cancer. Identifiers: Orphanet 145, MedGen C0677776, MeSH D061325, MONDO:0003582. Disease mechanism: loss of function.
Breast-ovarian cancer, familial, susceptibility to, 2 (BROVCA2). Also called: BRCA2 Hereditary Breast and Ovarian Cancer. Identifiers: Orphanet 145, MedGen C2675520, MONDO:0012933, OMIM 612555. Disease mechanism: loss of function.

Submissions (7):

Evidence-based Network for the Interpretation of Germline Mutant Alleles (ENIGMA)
Classification: Pathogenic for Breast-ovarian cancer, familial, susceptibility to, 2. Last evaluated: 2016-09-08. Review status: reviewed by expert panel. Criteria: ENIGMA BRCA1/2 Classification Criteria (2015). Collection method: curation. Allele origin: germline.
Comment: Variant allele predicted to encode a truncated non-functional protein.

Quest Diagnostics Nichols Institute San Juan Capistrano
Classification: Pathogenic. Last evaluated: 2025-03-05. Review status: criteria provided, single submitter. Criteria: Quest Diagnostics criteria. Collection method: clinical testing. Allele origin: unknown. Not counted in ClinVar's aggregate classification.
Comment: The BRCA2 c.5266_5269del (p.Val1756Ilefs*20) variant alters the translational reading frame of the BRCA2 mRNA and causes the premature termination of BRCA2 protein synthesis. This variant has been reported in the published literature in a cohort of individuals with breast and/or ovarian cancer (PMID: 27153395 (2016)). This variant has not been reported in large, multi-ethnic general populations (Genome Aggregation Database). Based on the available information, this variant is classified as pathogenic.

Ambry Genetics
Classification: Pathogenic for Hereditary cancer-predisposing syndrome. Last evaluated: 2024-11-14. Review status: criteria provided, single submitter. Criteria: Ambry Variant Classification Scheme 2023. Collection method: clinical testing. Allele origin: germline. Not counted in ClinVar's aggregate classification.
Comment: The c.5266_5269delGTAT pathogenic mutation, located in coding exon 10 of the BRCA2 gene, results from a deletion of 4 nucleotides at nucleotide positions 5266 to 5269, causing a translational frameshift with a predicted alternate stop codon (p.V1756Ifs*20). This variant is considered to be rare based on population cohorts in the Genome Aggregation Database (gnomAD). This alteration is expected to result in loss of function by premature protein truncation or nonsense-mediated mRNA decay. As such, this alteration is interpreted as a disease-causing mutation.

Labcorp Genetics (formerly Invitae), Labcorp
Classification: Pathogenic for Hereditary breast ovarian cancer syndrome. Last evaluated: 2024-10-09. Review status: criteria provided, single submitter. Criteria: Invitae Variant Classification Sherloc (09022015). Collection method: clinical testing. Allele origin: germline. Not counted in ClinVar's aggregate classification.
Comment: This sequence change creates a premature translational stop signal (p.Val1756Ilefs*20) in the BRCA2 gene. It is expected to result in an absent or disrupted protein product. Loss-of-function variants in BRCA2 are known to be pathogenic (PMID: 20104584). This variant is not present in population databases (gnomAD no frequency). This variant has not been reported in the literature in individuals affected with BRCA2-related conditions. ClinVar contains an entry for this variant (Variation ID: 37955). For these reasons, this variant has been classified as Pathogenic.

Research Molecular Genetics Laboratory, Women's College Hospital, University of Toronto
Classification: Pathogenic for Hereditary breast ovarian cancer syndrome. Last evaluated: 2014-01-31. Review status: no assertion criteria provided. Collection method: research. Allele origin: germline. Affected: yes. Study: The Canadian Open Genetics Repository (COGR). Not counted in ClinVar's aggregate classification.

Sharing Clinical Reports Project (SCRP)
Classification: Pathogenic for Breast-ovarian cancer, familial 2. Last evaluated: 2008-03-24. Review status: no assertion criteria provided. Collection method: clinical testing. Allele origin: germline. Not counted in ClinVar's aggregate classification.

Breast Cancer Information Core (BIC) (BRCA2)
Classification: Pathogenic for Breast-ovarian cancer, familial 2. Last evaluated: 2001-10-29. Review status: no assertion criteria provided. Collection method: clinical testing. Allele origin: germline. Affected: yes. Observed: 1 variant allele. Not counted in ClinVar's aggregate classification.

Literature cited by the submitters: PubMed 27153395 (cited by Quest Diagnostics Nichols Institute San Juan Capistrano); PubMed 20104584 (cited by Labcorp Genetics (formerly Invitae), Labcorp).

NM_000059.4(BRCA2):c.5266_5269del (p.Val1756fs)

Gene: BRCA2 (BRCA2 DNA repair associated; plus strand). Cytogenetic location: 13q13.1.
Variant type: Deletion.
Coding change: c.5266_5269del on transcript NM_000059.4 (MANE Select); coding-DNA positions 5266 to 5269, 4 bases deleted (GTAT; older notation c.5266_5269delGTAT).
Protein change: p.Val1756fs; shifts the reading frame from valine 1756.
Molecular consequence: frameshift variant.
Genome position (GRCh38, 1-based): chr13:32,339,621-32,339,624, GTAT deleted. VCF-style (leftmost placement, unchanged base first): chr13-32339620-GGTAT-G. GRCh37 (hg19) VCF-style: chr13-32913757-GGTAT-G.
Other names: 5494del4; c.5266_5269delGTAT (NM_000059.3); c.5266_5269del (NM_000059.3); short protein forms V1756fs.
Identifiers: ClinVar variation 37955 (VCV000037955.6), dbSNP rs80359501, ClinGen allele CA021880.